The following is an entry in ClinVar:

NM_006757.4(TNNT3):c.288C>T (p.Ile96=)

Gene: TNNT3 (troponin T3, fast skeletal type; plus strand). Cytogenetic location: 11p15.5.
Variant type: single nucleotide variant.
Coding change: c.288C>T on transcript NM_006757.4 (MANE Select); coding-DNA position 288, C replaced by T.
Protein change: p.Ile96=; no amino-acid change (isoleucine 96 retained).
Molecular consequence: synonymous variant.
Genome position (GRCh38, 1-based): chr11:1,933,837, C>T. VCF-style: chr11-1933837-C-T. GRCh37 (hg19) VCF-style: chr11-1955067-C-T.
Other names: c.264C>T, p.Ile88= (NM_001297646.2, NM_001367844.1, NM_001367845.1 and 2 more transcripts); c.297C>T, p.Ile99= (NM_001363561.2, NM_001367847.1); c.282C>T, p.Ile94= (NM_001367842.1, NM_001367843.1, NM_001042781.3); c.321C>T, p.Ile107= (NM_001367846.1); c.285C>T, p.Ile95= (NM_001367848.1); c.276C>T, p.Ile92= (NM_001367849.1); c.231C>T, p.Ile77= (NM_001367850.1); c.84C>T, p.Ile28= (NM_001367851.1, NM_001367852.1).
Identifiers: ClinVar variation 2985750 (VCV002985750.3), dbSNP rs200050378, ClinGen allele CA5816408.

ClinVar aggregate classification (germline): Uncertain significance (1 of 4 stars; one submission).

Allele frequency attached by ClinVar (database versions not stated): TOPMed 0.00003; 1000 Genomes Project 30x 0.00016; 1000 Genomes Project 0.00020.
gnomAD v4.1: 37 of 1,612,586 alleles (0.0023%); highest among the groups gnomAD compares: East Asian, 0.036%; no homozygotes.

Submission:

Labcorp Genetics (formerly Invitae), Labcorp
Classification: Uncertain significance. Last evaluated: 2023-04-26. Review status: criteria provided, single submitter. Criteria: Invitae Variant Classification Sherloc (09022015). Collection method: clinical testing. Allele origin: germline.
Comment: This sequence change affects codon 96 of the TNNT3 mRNA. It is a 'silent' change, meaning that it does not change the encoded amino acid sequence of the TNNT3 protein. It affects a nucleotide within the consensus splice site. In summary, the available evidence is currently insufficient to determine the role of this variant in disease. Therefore, it has been classified as a Variant of Uncertain Significance. Algorithms developed to predict the effect of sequence changes on RNA splicing suggest that this variant is not likely to affect RNA splicing. This variant has not been reported in the literature in individuals affected with TNNT3-related conditions. This variant is present in population databases (rs200050378, gnomAD 0.07%), and has an allele count higher than expected for a pathogenic variant.